The following is an entry in ClinVar:

ClinVar aggregate classification (germline): Benign/Likely benign. Review status: criteria provided, multiple submitters, no conflicts (2 of 4 stars). 9 submissions from 9 submitters: Benign (3); Likely benign (6). Last evaluated 2026-02-01.

Conditions:
MYL2-related disorder. Also called: MYL2-related condition; MYL2-related disease; MYL2-related disorders.
Hypertrophic cardiomyopathy. Also called: HYPERTROPHIC MYOCARDIOPATHY. Identifiers: Orphanet 217569, MedGen C0007194, MeSH D002312, MONDO:0005045, HP:0001639.
Cardiomyopathy (CMYO). Also called: Cardiomyopathies. Identifiers: Orphanet 167848, MedGen C0878544, MONDO:0004994, HP:0001638. Inheritance: Various modes of inheritance.
Hypertrophic cardiomyopathy 10. Also called: MYL2-Related Familial Hypertrophic Cardiomyopathy; CARDIOMYOPATHY, HYPERTROPHIC, MID-LEFT VENTRICULAR CHAMBER TYPE, 2. Identifiers: MedGen C1834460, MONDO:0012112, OMIM 608758.

Allele frequency attached by ClinVar (database versions not stated): gnomAD exomes 0.00004 and 0.00018; gnomAD 0.00006; ESP Exome Variant Server 0.00008; ExAC 0.00014; TOPMed 0.00015.
gnomAD v4.1: 66 of 1,614,074 alleles (0.0041%); highest among the groups gnomAD compares: Admixed American, 0.098%; no homozygotes.

Submissions (9):

Labcorp Genetics (formerly Invitae), Labcorp
Classification: Benign for Hypertrophic cardiomyopathy 10. Last evaluated: 2026-02-01. Review status: criteria provided, single submitter. Criteria: Invitae Variant Classification Sherloc (09022015). Collection method: clinical testing. Allele origin: germline.

CeGaT Center for Human Genetics Tuebingen
Classification: Likely benign. Last evaluated: 2026-01-01. Review status: criteria provided, single submitter. Criteria: CeGaT Center For Human Genetics Tuebingen Variant Classification Criteria Version 2. Collection method: clinical testing. Allele origin: germline. Affected: yes. Observed: 4 variant alleles.
Comment: MYL2: BP4

PreventionGenetics, part of Exact Sciences
Classification: Likely benign for MYL2-related condition. Last evaluated: 2025-11-01. Review status: criteria provided, single submitter. Criteria: ACMG Guidelines, 2015. Collection method: clinical testing. Allele origin: germline.
Comment: This variant is classified as likely benign based on ACMG/AMP sequence variant interpretation guidelines (Richards et al. 2015 PMID: 25741868, with internal and published modifications).

Mayo Clinic Laboratories, Mayo Clinic
Classification: Likely benign. Last evaluated: 2025-09-11. Review status: criteria provided, single submitter. Criteria: ACMG Guidelines, 2015. Collection method: clinical testing. Allele origin: germline. Observed: 2 variant alleles.
Comment: BS1, BP4, BP7

All of Us Research Program, National Institutes of Health
Classification: Likely benign for Hypertrophic cardiomyopathy. Last evaluated: 2024-02-05. Review status: criteria provided, single submitter. Criteria: ACMG Guidelines, 2015. Collection method: clinical testing. Allele origin: germline. Inheritance: Autosomal dominant inheritance. Observed: 33 variant alleles, 33 heterozygotes.
Comment: This study involves interpretation of variants in research participants for the purpose of population health screening. Participant phenotype was not available at the time of variant classification. Additional details can be found in publication PMID: 35346344, PMCID: PMC8962531

Blueprint Genetics
Classification: Likely benign. Last evaluated: 2022-03-28. Review status: criteria provided, single submitter. Criteria: ACMG Guidelines, 2015. Collection method: clinical testing. Allele origin: germline.

Color Diagnostics, LLC DBA Color Health
Classification: Likely benign for Cardiomyopathy. Last evaluated: 2018-11-14. Review status: criteria provided, single submitter. Criteria: ACMG Guidelines, 2015. Collection method: clinical testing. Allele origin: germline.

CHEO Genetics Diagnostic Laboratory, Children's Hospital of Eastern Ontario
Classification: Benign for Cardiomyopathy. Last evaluated: 2018-04-24. Review status: criteria provided, single submitter. Criteria: ACMG Guidelines, 2015. Collection method: clinical testing. Allele origin: germline.

GeneDx
Classification: Benign. Last evaluated: 2015-08-10. Review status: criteria provided, single submitter. Criteria: GeneDx Variant Classification (06012015). Collection method: clinical testing. Allele origin: germline. Affected: yes.
Comment: This variant is considered likely benign or benign based on one or more of the following criteria: it is a conservative change, it occurs at a poorly conserved position in the protein, it is predicted to be benign by multiple in silico algorithms, and/or has population frequency not consistent with disease.

NM_000432.4(MYL2):c.275-7G>A

Gene: MYL2 (myosin light chain 2; minus strand). Cytogenetic location: 12q24.11.
Variant type: single nucleotide variant.
Coding change: c.275-7G>A on transcript NM_000432.4 (MANE Select); 7 bases into the intron before coding-DNA position 275, G replaced by A.
Molecular consequence: intron variant.
Genome position (GRCh38, 1-based): chr12:110,913,331, C>T on the plus strand (G>A on the coding strand, the complement: MYL2 is on the minus strand). VCF-style: chr12-110913331-C-T. GRCh37 (hg19) VCF-style: chr12-111351135-C-T.
Other names: p.?.
Identifiers: ClinVar variation 378218 (VCV000378218.33), dbSNP rs373241541, ClinGen allele CA041297.